The following is an entry in ClinVar:

NM_003900.5(SQSTM1):c.548G>T (p.Arg183Leu)

Gene: SQSTM1 (sequestosome 1; plus strand). Cytogenetic location: 5q35.3.
Variant type: single nucleotide variant.
Coding change: c.548G>T on transcript NM_003900.5 (MANE Select); coding-DNA position 548, G replaced by T.
Protein change: p.Arg183Leu; replaces arginine 183 with leucine.
Molecular consequence: missense variant.
Genome position (GRCh38, 1-based): chr5:179,824,198, G>T. VCF-style: chr5-179824198-G-T. GRCh37 (hg19) VCF-style: chr5-179251198-G-T.
Other names: c.296G>T, p.Arg99Leu (NM_001142298.2, NM_001142299.2); short protein forms R183L, R99L.
Identifiers: ClinVar variation 4783276 (VCV004783276.1).
Genomic context (GRCh38, chr5:179,824,198, plus strand): 5'-CTTGACCCGCTCACTGCCTGCCGCTCTGCTAATTCCTCCCCCAGGGCTTCTCGCACAGCC[G>T]CTGGCTCCGGAAGGTGAAACACGGACACTTCGGGTGGCCAGGATGGGAAATGGGTCCACC-3'
Protein context (NP_003891.1, residues 173-193): GHLSEGFSHS[Arg183Leu]WLRKVKHGHF

ClinVar aggregate classification (germline): Uncertain significance (1 of 4 stars; one submission).

Conditions:
Frontotemporal dementia and/or amyotrophic lateral sclerosis 1 (FTDALS1). Also called: C9orf72 Frontotemporal Dementia and/or Amyotrophic Lateral Sclerosis; Frontotemporal dementia with motor neuron disease 1. Identifiers: Orphanet 275872, MedGen C5779877, MONDO:0007105, OMIM 105550.
Paget disease of bone 2, early-onset (PDB2). Also called: Paget disease of bone 2. Identifiers: MedGen C4085251, MONDO:0011183, OMIM 602080.

Submission:

Labcorp Genetics (formerly Invitae), Labcorp
Classification: Uncertain significance for Paget disease of bone 2, early-onset; Frontotemporal dementia and/or amyotrophic lateral sclerosis 1. Last evaluated: 2026-01-27. Review status: criteria provided, single submitter. Criteria: Invitae Variant Classification Sherloc (09022015). Collection method: clinical testing. Allele origin: germline.
Comment: This sequence change replaces arginine, which is basic and polar, with leucine, which is neutral and non-polar, at codon 183 of the SQSTM1 protein (p.Arg183Leu). This variant is not present in population databases (gnomAD no frequency). This variant has not been reported in the literature in individuals affected with SQSTM1-related conditions. Invitae Evidence Modeling of protein sequence and biophysical properties (such as structural, functional, and spatial information, amino acid conservation, physicochemical variation, residue mobility, and thermodynamic stability) has been performed for this missense variant. However, the output from this modeling did not meet the statistical confidence thresholds required to predict the impact of this variant on SQSTM1 protein function. In summary, the available evidence is currently insufficient to determine the role of this variant in disease. Therefore, it has been classified as a Variant of Uncertain Significance.